The following is an entry in ClinVar:

NM_001367624.2(ZNF469):c.4424A>T (p.Asn1475Ile)

Gene: ZNF469 (zinc finger protein 469; plus strand). Cytogenetic location: 16q24.2.
Variant type: single nucleotide variant.
Coding change: c.4424A>T on transcript NM_001367624.2 (MANE Select); coding-DNA position 4424, A replaced by T.
Protein change: p.Asn1475Ile; replaces asparagine 1475 with isoleucine.
Molecular consequence: missense variant.
Genome position (GRCh38, 1-based): chr16:88,431,894, A>T. VCF-style: chr16-88431894-A-T. GRCh37 (hg19) VCF-style: chr16-88498302-A-T.
Other names: NM_001127464.1:c.4340A>T; short protein forms N1475I.
Identifiers: ClinVar variation 3232810 (VCV003232810.1), dbSNP rs1396711961, ClinGen allele CA397091872.

ClinVar aggregate classification (germline): Uncertain significance (1 of 4 stars; one submission).

Conditions:
Cardiovascular phenotype. Identifiers: MedGen CN230736.

Allele frequency attached by ClinVar (database versions not stated): gnomAD exomes 0.00001.
gnomAD v4.1: 17 of 1,549,870 alleles (0.0011%); highest among the groups gnomAD compares: Non-Finnish European, 0.0015%; no homozygotes.

Submission:

Ambry Genetics
Classification: Uncertain significance for Cardiovascular phenotype. Last evaluated: 2023-10-02. Review status: criteria provided, single submitter. Criteria: Ambry Variant Classification Scheme 2023. Collection method: clinical testing. Allele origin: germline.
Comment: The p.N1447I variant (also known as c.4340A>T), located in coding exon 2 of the ZNF469 gene, results from an A to T substitution at nucleotide position 4340. The asparagine at codon 1447 is replaced by isoleucine, an amino acid with dissimilar properties. This amino acid position is conserved. In addition, this alteration is predicted to be tolerated by in silico analysis. Since supporting evidence is limited at this time, the clinical significance of this alteration remains unclear.